The following is an entry in ClinVar:

NM_144573.4(NEXN):c.1252-20C>A

Gene: NEXN (nexilin F-actin binding protein; plus strand). Cytogenetic location: 1p31.1.
Variant type: single nucleotide variant.
Coding change: c.1252-20C>A on transcript NM_144573.4 (MANE Select); 20 bases into the intron before coding-DNA position 1252, C replaced by A.
Molecular consequence: intron variant.
Genome position (GRCh38, 1-based): chr1:77,935,803, C>A. VCF-style: chr1-77935803-C-A. GRCh37 (hg19) VCF-style: chr1-78401488-C-A.
Other names: c.1060-20C>A (NM_001172309.2).
Identifiers: ClinVar variation 515944 (VCV000515944.9), dbSNP rs776869661, ClinGen allele CA918845.

ClinVar aggregate classification (germline): Likely benign. Review status: criteria provided, multiple submitters, no conflicts (2 of 4 stars). 3 submissions from 3 submitters: Likely benign (3). Last evaluated 2025-07-28.

Conditions:
Dilated cardiomyopathy 1CC (CMD1CC). Identifiers: Orphanet 154, MedGen C2751084, MONDO:0013147, OMIM 613122.
Hypertrophic cardiomyopathy 20. Identifiers: MedGen C3151267, MONDO:0013477, OMIM 613876.

Allele frequency attached by ClinVar (database versions not stated): TOPMed 0.00001; ExAC 0.00002; gnomAD exomes 0.00002; gnomAD 0.00004.
gnomAD v4.1: 68 of 1,600,574 alleles (0.0042%); highest among the groups gnomAD compares: Admixed American, 0.005%; no homozygotes.

Submissions (3):

Labcorp Genetics (formerly Invitae), Labcorp
Classification: Likely benign for Dilated cardiomyopathy 1CC; Hypertrophic cardiomyopathy 20. Last evaluated: 2025-07-28. Review status: criteria provided, single submitter. Criteria: Invitae Variant Classification Sherloc (09022015). Collection method: clinical testing. Allele origin: germline.

Blueprint Genetics
Classification: Likely benign. Last evaluated: 2024-09-03. Review status: criteria provided, single submitter. Criteria: ACMG Guidelines, 2015. Collection method: clinical testing. Allele origin: germline.

GeneDx
Classification: Likely benign. Last evaluated: 2018-03-06. Review status: criteria provided, single submitter. Criteria: GeneDx Variant Classification (06012015). Collection method: clinical testing. Allele origin: germline. Affected: yes.
Comment: This variant is considered likely benign or benign based on one or more of the following criteria: it is a conservative change, it occurs at a poorly conserved position in the protein, it is predicted to be benign by multiple in silico algorithms, and/or has population frequency not consistent with disease.